The following is an entry in ClinVar:

NM_002336.3(LRP6):c.2769T>A (p.Asn923Lys)

Gene: LRP6 (LDL receptor related protein 6; minus strand). Cytogenetic location: 12p13.2.
Variant type: single nucleotide variant.
Coding change: c.2769T>A on transcript NM_002336.3 (MANE Select); coding-DNA position 2769, T replaced by A.
Protein change: p.Asn923Lys; replaces asparagine 923 with lysine.
Molecular consequence: missense variant.
Genome position (GRCh38, 1-based): chr12:12,158,851, A>T on the plus strand (T>A on the coding strand, the complement: LRP6 is on the minus strand). VCF-style: chr12-12158851-A-T. GRCh37 (hg19) VCF-style: chr12-12311785-A-T.
Other names: c.2769T>A (NM_002336.2); c.2769T>A, p.Asn923Lys (NM_001414244.1, NM_001414245.1, NM_001414246.1 and 4 more transcripts); c.2571T>A, p.Asn857Lys (NM_001414247.1); c.2316T>A, p.Asn772Lys (NM_001414252.1, NM_001414253.1, NM_001414254.1); c.2262T>A, p.Asn754Lys (NM_001414255.1); short protein forms N754K, N772K, N857K, N923K.
Identifiers: ClinVar variation 2180060 (VCV002180060.5), dbSNP rs201126262, ClinGen allele CA6455398.
Genomic context (GRCh38, chr12:12,158,851, plus strand): 5'-TCTCATTCTAGCTTGCTTTGGAGGGAAATGCAGCTTACCACTACAAGTCCTGTTGTCAGC[A>T]TTAAGAGAGTAGTGGGCAGGGCATCCACAAACAAAACCCCCAACTGGCACAGCCAAGCAG-3'
Protein context (NP_002327.2, residues 913-933): VCGCPAHYSL[Asn923Lys]ADNRTCSAPT

ClinVar aggregate classification (germline): Uncertain significance. Review status: criteria provided, multiple submitters, no conflicts (2 of 4 stars). 2 submissions from 2 submitters: Uncertain significance (2). Last evaluated 2025-11-11.

Conditions:
Inborn genetic diseases. Identifiers: MedGen C0950123, MeSH D030342.

Allele frequency attached by ClinVar (database versions not stated): gnomAD exomes 0.00002; ExAC 0.00006; ESP Exome Variant Server 0.00008; 1000 Genomes Project 30x 0.00016; 1000 Genomes Project 0.00020; gnomAD 0.00020; TOPMed 0.00023.
gnomAD v4.1: 63 of 1,614,210 alleles (0.0039%); highest among the groups gnomAD compares: African/African-American, 0.069%; no homozygotes.

Submissions (2):

Labcorp Genetics (formerly Invitae), Labcorp
Classification: Uncertain significance. Last evaluated: 2025-11-11. Review status: criteria provided, single submitter. Criteria: Invitae Variant Classification Sherloc (09022015). Collection method: clinical testing. Allele origin: germline.
Comment: This sequence change replaces asparagine, which is neutral and polar, with lysine, which is basic and polar, at codon 923 of the LRP6 protein (p.Asn923Lys). This variant is present in population databases (rs201126262, gnomAD 0.05%), and has an allele count higher than expected for a pathogenic variant. This variant has not been reported in the literature in individuals affected with LRP6-related conditions. ClinVar contains an entry for this variant (Variation ID: 2180060). Invitae Evidence Modeling of protein sequence and biophysical properties (such as structural, functional, and spatial information, amino acid conservation, physicochemical variation, residue mobility, and thermodynamic stability) indicates that this missense variant is not expected to disrupt LRP6 protein function with a negative predictive value of 80%. In summary, the available evidence is currently insufficient to determine the role of this variant in disease. Therefore, it has been classified as a Variant of Uncertain Significance.

Ambry Genetics
Classification: Uncertain significance for Inborn genetic diseases. Last evaluated: 2022-01-03. Review status: criteria provided, single submitter. Criteria: Ambry Variant Classification Scheme 2023. Collection method: clinical testing. Allele origin: germline.